The following is an entry in ClinVar:

ClinVar aggregate classification (germline): Uncertain significance (1 of 4 stars; one submission).

Conditions:
Encephalopathy, acute, infection-induced (herpes-specific), susceptibility to, 1. Also called: Herpes simplex encephalitis, susceptibility to, 1. Identifiers: Orphanet 1930, MedGen C2750180, MONDO:0024563, OMIM 610551.

gnomAD v4.1: 1 of 1,614,062 alleles (0.000062%); highest among the groups gnomAD compares: Non-Finnish European, 0.000085%; no homozygotes.

Submission:

Labcorp Genetics (formerly Invitae), Labcorp
Classification: Uncertain significance for Encephalopathy, acute, infection-induced (herpes-specific), susceptibility to, 1. Last evaluated: 2024-02-24. Review status: criteria provided, single submitter. Criteria: Invitae Variant Classification Sherloc (09022015). Collection method: clinical testing. Allele origin: germline.
Comment: This sequence change replaces arginine, which is basic and polar, with tryptophan, which is neutral and slightly polar, at codon 251 of the TLR3 protein (p.Arg251Trp). This variant is present in population databases (no rsID available, gnomAD 0.006%). This variant has not been reported in the literature in individuals affected with TLR3-related conditions. ClinVar contains an entry for this variant (Variation ID: 1986487). An algorithm developed to predict the effect of missense changes on protein structure and function (PolyPhen-2) suggests that this variant is likely to be tolerated. In summary, the available evidence is currently insufficient to determine the role of this variant in disease. Therefore, it has been classified as a Variant of Uncertain Significance.

NM_003265.3(TLR3):c.751C>T (p.Arg251Trp)

Gene: TLR3 (toll like receptor 3; plus strand). Cytogenetic location: 4q35.1.
Variant type: single nucleotide variant.
Coding change: c.751C>T on transcript NM_003265.3 (MANE Select); coding-DNA position 751, C replaced by T.
Protein change: p.Arg251Trp; replaces arginine 251 with tryptophan.
Molecular consequence: missense variant.
Genome position (GRCh38, 1-based): chr4:186,082,437, C>T. VCF-style: chr4-186082437-C-T. GRCh37 (hg19) VCF-style: chr4-187003591-C-T.
Other names: short protein forms R251W.
Identifiers: ClinVar variation 1986487 (VCV001986487.4), dbSNP rs780051344, ClinGen allele CA358929081.